The following is an entry in ClinVar:

NM_000245.4(MET):c.3478A>G (p.Met1160Val)

Gene: MET (MET proto-oncogene, receptor tyrosine kinase; plus strand). Cytogenetic location: 7q31.2.
Variant type: single nucleotide variant.
Coding change: c.3478A>G on transcript NM_000245.4 (MANE Select); coding-DNA position 3478, A replaced by G.
Protein change: p.Met1160Val; replaces methionine 1160 with valine.
Molecular consequence: missense variant.
Genome position (GRCh38, 1-based): chr7:116,778,913, A>G. VCF-style: chr7-116778913-A-G. GRCh37 (hg19) VCF-style: chr7-116418967-A-G.
Other names: c.3532A>G, p.Met1178Val (NM_001127500.3); c.2188A>G, p.Met730Val (NM_001324402.2); c.3532A>G (NM_001127500.2, LRG_662t1); short protein forms M1178V, M730V, M1160V.
Identifiers: ClinVar variation 449882 (VCV000449882.18), dbSNP rs1554399597, ClinGen allele CA368990240.

ClinVar aggregate classification (germline): Uncertain significance. Review status: criteria provided, multiple submitters, no conflicts (2 of 4 stars). 6 submissions from 6 submitters: Uncertain significance (6). Last evaluated 2026-01-01.

Conditions:
MET-related disorder. Also called: MET-related condition.
Renal cell carcinoma. Identifiers: Orphanet 217071, MedGen C0007134, MeSH D002292, MONDO:0005086, HP:0005584.
Hereditary cancer-predisposing syndrome. Also called: Hereditary neoplastic syndrome; Neoplastic Syndromes, Hereditary; Hereditary Cancer Syndrome; Tumor predisposition. Identifiers: Orphanet 140162, MedGen C0027672, MeSH D009386, MONDO:0015356.

Submissions (6):

CeGaT Center for Human Genetics Tuebingen
Classification: Uncertain significance. Last evaluated: 2026-01-01. Review status: criteria provided, single submitter. Criteria: CeGaT Center For Human Genetics Tuebingen Variant Classification Criteria Version 2. Collection method: clinical testing. Allele origin: germline. Affected: yes. Observed: 1 variant allele.
Comment: MET: PM2

Center for Genomic Medicine, Rigshospitalet, Copenhagen University Hospital
Classification: Uncertain significance. Last evaluated: 2025-03-04. Review status: criteria provided, single submitter. Criteria: ACMG Guidelines, 2015. Collection method: clinical testing. Allele origin: germline.

Ambry Genetics
Classification: Uncertain significance for Hereditary cancer-predisposing syndrome. Last evaluated: 2024-09-10. Review status: criteria provided, single submitter. Criteria: Ambry Variant Classification Scheme 2023. Collection method: clinical testing. Allele origin: germline.
Comment: The p.M1178V variant (also known as c.3532A>G), located in coding exon 16 of the MET gene, results from an A to G substitution at nucleotide position 3532. The methionine at codon 1178 is replaced by valine, an amino acid with highly similar properties. This amino acid position is highly conserved in available vertebrate species. In addition, this alteration is predicted to be deleterious by in silico analysis. Based on the available evidence, the clinical significance of this variant remains unclear.

Labcorp Genetics (formerly Invitae), Labcorp
Classification: Uncertain significance for Renal cell carcinoma. Last evaluated: 2023-11-16. Review status: criteria provided, single submitter. Criteria: Invitae Variant Classification Sherloc (09022015). Collection method: clinical testing. Allele origin: germline.
Comment: This sequence change replaces methionine, which is neutral and non-polar, with valine, which is neutral and non-polar, at codon 1178 of the MET protein (p.Met1178Val). This variant is not present in population databases (gnomAD no frequency). This variant has not been reported in the literature in individuals affected with MET-related conditions. ClinVar contains an entry for this variant (Variation ID: 449882). Advanced modeling of protein sequence and biophysical properties (such as structural, functional, and spatial information, amino acid conservation, physicochemical variation, residue mobility, and thermodynamic stability) performed at Invitae indicates that this missense variant is expected to disrupt MET protein function with a positive predictive value of 80%. In summary, the available evidence is currently insufficient to determine the role of this variant in disease. Therefore, it has been classified as a Variant of Uncertain Significance.

PreventionGenetics, part of Exact Sciences
Classification: Uncertain significance for MET-related condition. Last evaluated: 2023-08-09. Review status: criteria provided, single submitter. Criteria: ACMG Guidelines, 2015. Collection method: clinical testing. Allele origin: germline.
Comment: The MET c.3532A>G variant is predicted to result in the amino acid substitution p.Met1178Val. To our knowledge, this variant has not been reported in the literature or in a large population database, indicating this variant is rare. At this time, the clinical significance of this variant is uncertain due to the absence of conclusive functional and genetic evidence.

GeneDx
Classification: Uncertain significance. Last evaluated: 2017-03-17. Review status: criteria provided, single submitter. Criteria: GeneDx Variant Classification (06012015). Collection method: clinical testing. Allele origin: germline. Affected: yes.
Comment: This variant is denoted MET c.3532A>G at the cDNA level, p.Met1178Val (M1178V) at the protein level, and results in the change of a Methionine to a Valine (ATG>GTG). This variant has not, to our knowledge, been published in the literature as a germline variant; however, it has been observed as a somatic variant in an ovarian cancer cell line (Creixell 2015). MET Met1178Val was not observed in large population cohorts (NHLBI Exome Sequencing Project, The 1000 Genomes Consortium 2015, Lek 2016). Since Methionine and Valine share similar properties, this is considered a conservative amino acid substitution. MET Met1178Val occurs at a position that is conserved across species and is located in the protein kinase and cytoplasmic domain (UniProt). In silico analyses predict that this variant is probably damaging to protein structure and function. Based on currently available evidence, it is unclear whether MET Met1178Val is a pathogenic or benign variant. We consider it to be a variant of uncertain significance.